The following is an entry in ClinVar:

ClinVar aggregate classification (germline): Likely benign. Review status: criteria provided, multiple submitters, no conflicts (2 of 4 stars). 2 submissions from 2 submitters: Likely benign (2). Last evaluated 2017-07-13.

Allele frequency attached by ClinVar (database versions not stated): 1000 Genomes Project 0.00140; 1000 Genomes Project 30x 0.00172; ESP Exome Variant Server 0.00208; gnomAD 0.00213 and 0.00215; ExAC 0.00217; TOPMed 0.00227; gnomAD exomes 0.00230.
gnomAD v4.1: 4,481 of 1,596,894 alleles (0.28%); highest among the groups gnomAD compares: Middle Eastern, 0.5%; 7 homozygotes.

Submissions (2):

GeneDx
Classification: Likely benign. Last evaluated: 2017-07-13. Review status: criteria provided, single submitter. Criteria: GeneDx Variant Classification (06012015). Collection method: clinical testing. Allele origin: germline. Affected: yes.
Comment: This variant is considered likely benign or benign based on one or more of the following criteria: it is a conservative change, it occurs at a poorly conserved position in the protein, it is predicted to be benign by multiple in silico algorithms, and/or has population frequency not consistent with disease.

Breakthrough Genomics
Classification: Likely benign. Review status: criteria provided, single submitter. Criteria: ACMG Guidelines, 2015. Collection method: not provided. Allele origin: germline. Inheritance: Autosomal dominant inheritance. Affected: yes.

NM_001851.6(COL9A1):c.-50A>G

Gene: COL9A1 (collagen type IX alpha 1 chain; minus strand). Cytogenetic location: 6q13.
Variant type: single nucleotide variant.
Coding change: c.-50A>G on transcript NM_001851.6 (MANE Select); 50 bases upstream of the start codon, A replaced by G.
Molecular consequence: 5 prime UTR variant.
Genome position (GRCh38, 1-based): chr6:70,302,974, T>C on the plus strand (A>G on the coding strand, the complement: COL9A1 is on the minus strand). VCF-style: chr6-70302974-T-C. GRCh37 (hg19) VCF-style: chr6-71012677-T-C.
Other names: c.-50A>G (NM_001377291.1).
Identifiers: ClinVar variation 390724 (VCV000390724.2), dbSNP rs141436759, ClinGen allele CA3883006.